The following is an entry in ClinVar:

ClinVar aggregate classification (germline): Pathogenic. Review status: criteria provided, multiple submitters, no conflicts (2 of 4 stars). 2 submissions from 2 submitters: Pathogenic (2). Last evaluated 2026-05-07.

Conditions:
Hereditary spastic paraplegia 15 (SPG15). Also called: SPASTIC PARAPLEGIA 15, AUTOSOMAL RECESSIVE; KJELLIN SYNDROME; SPASTIC PARAPLEGIA AND RETINAL DEGENERATION. Identifiers: Orphanet 100996, MedGen C1849128, MONDO:0010044, OMIM 270700.
Spastic paraplegia. Identifiers: MedGen C0037772, HP:0001258.

Submissions (2):

Women's Health and Genetics/Laboratory Corporation of America, LabCorp
Classification: Pathogenic for Hereditary spastic paraplegia 15. Last evaluated: 2026-05-07. Review status: criteria provided, single submitter. Criteria: LabCorp Variant Classification Summary - May 2015. Collection method: clinical testing. Allele origin: germline.
Comment: Variant summary: ZFYVE26 c.1708_1709delCT (p.Leu570ValfsX18) results in a premature termination codon, predicted to cause a truncation of the encoded protein or absence of the protein due to nonsense mediated decay, which are commonly known mechanisms for disease. The variant was absent in 249942 control chromosomes. To our knowledge, no occurrence of c.1708_1709delCT in individuals affected with ZFYVE26-related conditions and no experimental evidence demonstrating its impact on protein function have been reported. ClinVar contains an entry for this variant (Variation ID: 4766624). Based on the evidence outlined above, the variant was classified as pathogenic.

Labcorp Genetics (formerly Invitae), Labcorp
Classification: Pathogenic for Spastic paraplegia. Last evaluated: 2025-10-02. Review status: criteria provided, single submitter. Criteria: Invitae Variant Classification Sherloc (09022015). Collection method: clinical testing. Allele origin: germline.
Comment: This sequence change creates a premature translational stop signal (p.Leu570Valfs*18) in the ZFYVE26 gene. It is expected to result in an absent or disrupted protein product. Loss-of-function variants in ZFYVE26 are known to be pathogenic (PMID: 18394578, 19805727). This variant is not present in population databases (gnomAD no frequency). This variant has not been reported in the literature in individuals affected with ZFYVE26-related conditions. For these reasons, this variant has been classified as Pathogenic.

Literature cited by the submitters: PubMed 18394578 (cited by Labcorp Genetics (formerly Invitae), Labcorp); PubMed 19805727 (cited by Labcorp Genetics (formerly Invitae), Labcorp).

NM_015346.4(ZFYVE26):c.1708_1709del (p.Leu570fs)

Gene: ZFYVE26 (zinc finger FYVE-type containing 26; minus strand). Cytogenetic location: 14q24.1.
Variant type: Microsatellite.
Coding change: c.1708_1709del on transcript NM_015346.4 (MANE Select); coding-DNA positions 1708 to 1709, 2 bases deleted (CT; older notation c.1708_1709delCT).
Protein change: p.Leu570fs; shifts the reading frame from leucine 570.
Molecular consequence: frameshift variant.
Genome position (GRCh38, 1-based): chr14:67,798,553-67,798,554, AG deleted on the plus strand (CT on the coding strand, the reverse complement: ZFYVE26 is on the minus strand); deleting any 2 consecutive bases within chr14:67,798,553-67,798,558 gives the same sequence; the c. name uses the placement nearest the transcript's 3' end. VCF-style (leftmost placement, unchanged base first): chr14-67798552-CAG-C. GRCh37 (hg19) VCF-style: chr14-68265269-CAG-C.
Other names: c.1708_1709delCT (NM_015346.4); short protein forms L570fs.
Identifiers: ClinVar variation 4766624 (VCV004766624.2).